The following is an entry in ClinVar:

NM_004100.5(EYA4):c.377C>G (p.Thr126Arg)

Gene: EYA4 (EYA transcriptional coactivator and phosphatase 4; plus strand). Cytogenetic location: 6q23.2.
Variant type: single nucleotide variant.
Coding change: c.377C>G on transcript NM_004100.5 (MANE Select); coding-DNA position 377, C replaced by G.
Protein change: p.Thr126Arg; replaces threonine 126 with arginine.
Molecular consequence: missense variant.
Genome position (GRCh38, 1-based): chr6:133,461,120, C>G. VCF-style: chr6-133461120-C-G. GRCh37 (hg19) VCF-style: chr6-133782258-C-G.
Other names: c.215C>G, p.Thr72Arg (NM_001301012.2, NM_001370459.1); c.377C>G, p.Thr126Arg (NM_001301013.2, NM_172105.4); c.308C>G, p.Thr103Arg (NM_001370458.1, NM_172103.4); short protein forms T126R, T72R, T103R.
Identifiers: ClinVar variation 2448319 (VCV002448319.5), dbSNP rs1266644372, ClinGen allele CA365695896.

ClinVar aggregate classification (germline): Uncertain significance. Review status: criteria provided, multiple submitters, no conflicts (2 of 4 stars). 2 submissions from 2 submitters: Uncertain significance (2). Last evaluated 2023-08-27.

Conditions:
Cardiovascular phenotype. Identifiers: MedGen CN230736.
Dilated cardiomyopathy 1J (CMD1J). Also called: CARDIOMYOPATHY, DILATED, WITH SENSORINEURAL HEARING LOSS, AUTOSOMAL DOMINANT. Identifiers: Orphanet 217622, MedGen C1854368, MONDO:0011541, OMIM 605362.

Allele frequency attached by ClinVar (database versions not stated): TOPMed below 0.00001; gnomAD exomes 0.00001.
gnomAD v4.1: 8 of 1,611,460 alleles (0.0005%); highest among the groups gnomAD compares: Non-Finnish European, 0.00068%; no homozygotes.

Submissions (2):

Labcorp Genetics (formerly Invitae), Labcorp
Classification: Uncertain significance for Dilated cardiomyopathy 1J. Last evaluated: 2023-08-27. Review status: criteria provided, single submitter. Criteria: Invitae Variant Classification Sherloc (09022015). Collection method: clinical testing. Allele origin: germline.
Comment: This sequence change replaces threonine, which is neutral and polar, with arginine, which is basic and polar, at codon 126 of the EYA4 protein (p.Thr126Arg). This variant is not present in population databases (gnomAD no frequency). This variant has not been reported in the literature in individuals affected with EYA4-related conditions. ClinVar contains an entry for this variant (Variation ID: 2448319). An algorithm developed to predict the effect of missense changes on protein structure and function (PolyPhen-2) suggests that this variant is likely to be disruptive. In summary, the available evidence is currently insufficient to determine the role of this variant in disease. Therefore, it has been classified as a Variant of Uncertain Significance.

Ambry Genetics
Classification: Uncertain significance for Cardiovascular phenotype. Last evaluated: 2022-12-23. Review status: criteria provided, single submitter. Criteria: Ambry Variant Classification Scheme 2023. Collection method: clinical testing. Allele origin: germline.
Comment: The p.T126R variant (also known as c.377C>G), located in coding exon 6 of the EYA4 gene, results from a C to G substitution at nucleotide position 377. The threonine at codon 126 is replaced by arginine, an amino acid with similar properties. This amino acid position is conserved. In addition, this alteration is predicted to be deleterious by in silico analysis. Since supporting evidence is limited at this time, the clinical significance of this alteration remains unclear.